The following is an entry in ClinVar:

NM_015404.2(WHRN):c.-695A>T

Gene: WHRN (whirlin; minus strand). Cytogenetic location: 9q32.
Variant type: single nucleotide variant.
Coding change: c.-695A>T on transcript NM_015404.2; 695 bases upstream of the start codon, A replaced by T.
Genome position (GRCh38, 1-based): chr9:114,505,496, T>A on the plus strand (A>T on the coding strand, the complement: WHRN is on the minus strand). VCF-style: chr9-114505496-T-A. GRCh37 (hg19) VCF-style: chr9-117267776-T-A.
Identifiers: ClinVar variation 676623 (VCV000676623.4), dbSNP rs56085454, ClinGen allele CA12998348.

ClinVar aggregate classification (germline): Likely benign. Review status: criteria provided, multiple submitters, no conflicts (2 of 4 stars). 2 submissions from 2 submitters: Likely benign (2). Last evaluated 2018-06-14.

Allele frequency attached by ClinVar (database versions not stated): gnomAD exomes 0.02778; 1000 Genomes Project 0.01418; 1000 Genomes Project 30x 0.01530; TOPMed 0.03016; gnomAD 0.03180.

Submissions (2):

GeneDx
Classification: Likely benign. Last evaluated: 2018-06-14. Review status: criteria provided, single submitter. Criteria: GeneDx Variant Classification (06012015). Collection method: clinical testing. Allele origin: germline. Affected: yes.
Comment: This variant is considered likely benign or benign based on one or more of the following criteria: it is a conservative change, it occurs at a poorly conserved position in the protein, it is predicted to be benign by multiple in silico algorithms, and/or has population frequency not consistent with disease.

Breakthrough Genomics
Classification: Likely benign. Review status: criteria provided, single submitter. Criteria: ACMG Guidelines, 2015. Collection method: not provided. Allele origin: germline. Inheritance: Autosomal recessive inheritance. Affected: yes.